The following is an entry in ClinVar:

ClinVar aggregate classification (germline): Uncertain significance (1 of 4 stars; one submission).

Conditions:
Developmental and epileptic encephalopathy, 9 (DEE9). Also called: Early infantile epileptic encephalopathy 9; PCDH19-Related X-Linked Female-Limited Epilepsy with Mental Retardation; EPILEPSY, FEMALE-RESTRICTED, WITH MENTAL RETARDATION; JUBERG-HELLMAN SYNDROME. Identifiers: Orphanet 101039, Orphanet 2076, MedGen C1848137, MONDO:0010246, OMIM 300088. Disease mechanism: loss of function.

Allele frequency attached by ClinVar (database versions not stated): gnomAD exomes 0.00001 and 0.00003.
gnomAD v4.1: 29 of 1,211,121 alleles (0.0024%); highest among the groups gnomAD compares: Non-Finnish European, 0.0029%; no homozygotes.

Submission:

Labcorp Genetics (formerly Invitae), Labcorp
Classification: Uncertain significance for Developmental and epileptic encephalopathy, 9. Last evaluated: 2025-05-27. Review status: criteria provided, single submitter. Criteria: Invitae Variant Classification Sherloc (09022015). Collection method: clinical testing. Allele origin: germline.
Comment: This sequence change replaces threonine, which is neutral and polar, with proline, which is neutral and non-polar, at codon 998 of the PCDH19 protein (p.Thr998Pro). This variant is present in population databases (no rsID available, gnomAD 0.001%). This variant has not been reported in the literature in individuals affected with PCDH19-related conditions. ClinVar contains an entry for this variant (Variation ID: 644700). Invitae Evidence Modeling of protein sequence and biophysical properties (such as structural, functional, and spatial information, amino acid conservation, physicochemical variation, residue mobility, and thermodynamic stability) indicates that this missense variant is not expected to disrupt PCDH19 protein function with a negative predictive value of 95%. In summary, the available evidence is currently insufficient to determine the role of this variant in disease. Therefore, it has been classified as a Variant of Uncertain Significance.

NM_001184880.2(PCDH19):c.2992A>C (p.Thr998Pro)

Gene: PCDH19 (protocadherin 19; minus strand). Cytogenetic location: Xq22.1.
Variant type: single nucleotide variant.
Coding change: c.2992A>C on transcript NM_001184880.2 (MANE Select); coding-DNA position 2992, A replaced by C.
Protein change: p.Thr998Pro; replaces threonine 998 with proline.
Molecular consequence: missense variant.
Genome position (GRCh38, 1-based): chrX:100,296,732, T>G on the plus strand (A>C on the coding strand, the complement: PCDH19 is on the minus strand). VCF-style: chrX-100296732-T-G. GRCh37 (hg19) VCF-style: chrX-99551730-T-G.
Other names: c.2851A>C, p.Thr951Pro (NM_001105243.2); c.2848A>C, p.Thr950Pro (NM_020766.3); short protein forms T998P, T950P, T951P.
Identifiers: ClinVar variation 644700 (VCV000644700.9), dbSNP rs1387075416, ClinGen allele CA414000684.
Genomic context (GRCh38, chrX:100,296,732, plus strand): 5'-AGGTTGCGAAAGTCCGTTTGGTGGGGCCGCAGTCGTCATAAGCCTCGACATCAGCAGCAG[T>G]AGCTTCAATAGACAGCGCGATGATGTTCCTCACATGCTCAGGGGACTTGGAACGGATGGG-3'
Protein context (NP_001171809.1, residues 988-1008): RNIIALSIEA[Thr998Pro]AADVEAYDDC